The following is an entry in ClinVar:

NM_001378454.1(ALMS1):c.8843C>T (p.Pro2948Leu)

Gene: ALMS1 (ALMS1 centrosome and basal body associated protein; plus strand). Cytogenetic location: 2p13.1.
Variant type: single nucleotide variant.
Coding change: c.8843C>T on transcript NM_001378454.1 (MANE Select); coding-DNA position 8843, C replaced by T.
Protein change: p.Pro2948Leu; replaces proline 2948 with leucine.
Molecular consequence: missense variant.
Genome position (GRCh38, 1-based): chr2:73,490,802, C>T. VCF-style: chr2-73490802-C-T. GRCh37 (hg19) VCF-style: chr2-73717929-C-T.
Other names: c.8846C>T, p.Pro2949Leu (NM_015120.4); short protein forms P2949L, P2948L.
Identifiers: ClinVar variation 4997344 (VCV004997344.1).

ClinVar aggregate classification (germline): Uncertain significance (1 of 4 stars; one submission).

Conditions:
ALMS1-related disorder. Also called: ALMS1-related condition.

gnomAD v4.1: 1 of 1,613,986 alleles (0.000062%); highest among the groups gnomAD compares: Non-Finnish European, 0.000085%; no homozygotes.

Submission:

PreventionGenetics, part of Exact Sciences
Classification: Uncertain significance for ALMS1-related condition. Last evaluated: 2025-01-27. Review status: criteria provided, single submitter. Criteria: ACMG Guidelines, 2015. Collection method: clinical testing. Allele origin: germline.
Comment: The ALMS1 c.8846C>T variant is predicted to result in the amino acid substitution p.Pro2949Leu. To our knowledge, this variant has not been reported in the literature. This variant is reported in 0.00088% of alleles in individuals of European (Non-Finnish) descent in gnomAD. At this time, the clinical significance of this variant is uncertain due to the absence of conclusive functional and genetic evidence.